The following is an entry in ClinVar:

ClinVar aggregate classification (germline): Conflicting classifications of pathogenicity. Review status: criteria provided, conflicting classifications (1 of 4 stars). 4 submissions from 4 submitters: Uncertain significance (2); Likely benign (2). Last evaluated 2025-04-15.

Conditions:
Bronchiectasis with or without elevated sweat chloride 3 (BESC3). Identifiers: Orphanet 60033, MedGen C2751324, MONDO:0013112, OMIM 613071.
Liddle syndrome 2. Identifiers: MedGen C4748251, MONDO:0020854, OMIM 618114.
Pseudohypoaldosteronism, type IB1, autosomal recessive. Also called: Pseudohypoaldosteronism, Type I, Autosomal Recessive; PHA I, AUTOSOMAL RECESSIVE; Pseudohypoaldosteronism, Type I, Recessive; Autosomal recessive pseudohypoaldosteronism type 1. Identifiers: Orphanet 171876, Orphanet 756, MedGen C5774176, MONDO:0009917, OMIM 264350.

Allele frequency attached by ClinVar (database versions not stated): TOPMed 0.00006; ESP Exome Variant Server 0.00008.
gnomAD v4.1: 295 of 1,613,890 alleles (0.018%); highest among the groups gnomAD compares: Admixed American, 0.038%; no homozygotes.

Submissions (4):

Labcorp Genetics (formerly Invitae), Labcorp
Classification: Likely benign. Last evaluated: 2025-04-15. Review status: criteria provided, single submitter. Criteria: Invitae Variant Classification Sherloc (09022015). Collection method: clinical testing. Allele origin: germline.

Blueprint Genetics
Classification: Likely benign. Last evaluated: 2024-10-08. Review status: criteria provided, single submitter. Criteria: ACMG Guidelines, 2015. Collection method: clinical testing. Allele origin: germline.

Fulgent Genetics
Classification: Uncertain significance for Pseudohypoaldosteronism, type IB1, autosomal recessive; Bronchiectasis with or without elevated sweat chloride 3; Liddle syndrome 2. Last evaluated: 2021-08-05. Review status: criteria provided, single submitter. Criteria: ACMG Guidelines, 2015. Collection method: clinical testing. Allele origin: unknown.

GeneDx
Classification: Uncertain significance. Last evaluated: 2017-08-22. Review status: criteria provided, single submitter. Criteria: GeneDx Variant Classification (06012015). Collection method: clinical testing. Allele origin: germline. Affected: yes.
Comment: The M517T variant in the SCNN1G gene has not been reported previously as a pathogenic variant, nor as a benign variant, to our knowledge. The M517T variant is observed in 10/6604 (0.15%) alleles from individuals of European background, in the ExAC dataset (Lek et al., 2016). The M517T variant is a non-conservative amino acid substitution, which is likely to impact secondary protein structure as these residues differ in polarity, charge, size and/or other properties. This substitution occurs at a position that is not conserved. In silico analysis is inconsistent in its predictions as to whether or not the variant is damaging to the protein structure/function. We interpret M517T as a variant of uncertain significance.

NM_001039.4(SCNN1G):c.1550T>C (p.Met517Thr)

Gene: SCNN1G (sodium channel epithelial 1 subunit gamma; plus strand). Cytogenetic location: 16p12.2.
Variant type: single nucleotide variant.
Coding change: c.1550T>C on transcript NM_001039.4 (MANE Select); coding-DNA position 1550, T replaced by C.
Protein change: p.Met517Thr; replaces methionine 517 with threonine.
Molecular consequence: missense variant.
Genome position (GRCh38, 1-based): chr16:23,214,768, T>C. VCF-style: chr16-23214768-T-C. GRCh37 (hg19) VCF-style: chr16-23226089-T-C.
Other names: short protein forms M517T.
Identifiers: ClinVar variation 451433 (VCV000451433.8), dbSNP rs144653364, ClinGen allele CA7959909.